The following is an entry in ClinVar:

NM_001080477.4(TENM3):c.4956T>A (p.His1652Gln)

Gene: TENM3 (teneurin transmembrane protein 3; plus strand). Cytogenetic location: 4q35.1.
Variant type: single nucleotide variant.
Coding change: c.4956T>A on transcript NM_001080477.4 (MANE Select); coding-DNA position 4956, T replaced by A.
Protein change: p.His1652Gln; replaces histidine 1652 with glutamine.
Molecular consequence: missense variant.
Genome position (GRCh38, 1-based): chr4:182,773,535, T>A. VCF-style: chr4-182773535-T-A. GRCh37 (hg19) VCF-style: chr4-183694688-T-A.
Other names: c.4188T>A, p.His1396Gln (NM_001415960.1); c.4161T>A, p.His1387Gln (NM_001415961.1); c.4158T>A, p.His1386Gln (NM_001415962.1); c.4140T>A, p.His1380Gln (NM_001415963.1); c.4137T>A, p.His1379Gln (NM_001415964.1); c.4674T>A, p.His1558Gln (NM_001415966.1); c.4698T>A, p.His1566Gln (NM_001415967.1); c.4974T>A, p.His1658Gln (NM_001415968.1); and 4 more; short protein forms H1379Q, H1380Q, H1386Q, H1387Q, H1396Q, H1558Q, H1559Q, H1566Q.
Identifiers: ClinVar variation 4681173 (VCV004681173.1).

ClinVar aggregate classification (germline): Uncertain significance (1 of 4 stars; one submission).

gnomAD v4.1: 4 of 1,613,874 alleles (0.00025%); highest among the groups gnomAD compares: South Asian, 0.0011%; no homozygotes.

Submission:

GeneDx
Classification: Uncertain significance. Last evaluated: 2025-07-05. Review status: criteria provided, single submitter. Criteria: GeneDx Variant Classification Process June 2021. Collection method: clinical testing. Allele origin: germline. Affected: yes.
Comment: Not observed at significant frequency in large population cohorts (gnomAD); In silico analysis supports that this missense variant has a deleterious effect on protein structure/function; Has not been previously published as pathogenic or benign to our knowledge